The following is an entry in ClinVar:

ClinVar aggregate classification (germline): Likely benign. Review status: reviewed by expert panel (3 of 4 stars). 3 submissions from 3 submitters: Likely benign (1). 2 of the submissions do not count toward it. Last evaluated 2024-09-18.

Conditions:
Inborn genetic diseases. Identifiers: MedGen C0950123, MeSH D030342.
Hereditary thrombocytopenia and hematological cancer predisposition syndrome associated with RUNX1. Also called: Familial Platelet Disorder with Propensity to Acute Myelogenous Leukemia; Familial thrombocytopenia with propensity to acute myelogenous leukemia; RUNX1 Familial Platelet Disorder with Associated Myeloid Malignancies; PLATELET DISORDER, ASPIRIN-LIKE. Identifiers: Orphanet 71290, MedGen C1832388, MeSH C563324, MONDO:0100083, OMIM 601399.
Hereditary thrombocytopenia and hematologic cancer predisposition syndrome. Identifiers: Orphanet 71290, MedGen CN281654, MONDO:0011071.

Submissions (3):

ClinGen Myeloid Malignancy Variant Curation Expert Panel
Classification: Likely benign for Hereditary thrombocytopenia and hematologic cancer predisposition syndrome. Last evaluated: 2024-09-18. Review status: reviewed by expert panel. Criteria: ClinGen MyeloMalig ACMG Specifications v2. Collection method: curation. Allele origin: germline. Inheritance: Autosomal dominant inheritance.
Comment: NM_001754.5(RUNX1):c.1215G>C (p.Leu405=) is a synonymous variant which has a SpliceAI score ≤ 0.20 (0) (BP4). This variant has a SpliceAI score ≤ 0.20 (0.00) and evolutionary conservation algorithms predict the site as not being conserved (PhyloP score ≤ 2.0 (0.00)) (BP7). This variant is completely absent from all population databases with at least 20x coverage for RUNX1 (PM2_Supporting). In summary, this variant meets criteria to be classified as likely benign. ACMG/AMP criteria applied, as specified by the Myeloid Malignancy Variant Curation Expert Panel for RUNX1: BP4, BP7, PM2_supporting.

Ambry Genetics
Classification: Likely benign for Inborn genetic diseases. Last evaluated: 2026-06-20. Review status: criteria provided, single submitter. Criteria: Ambry Variant Classification Scheme 2023. Collection method: clinical testing. Allele origin: germline. Not counted in ClinVar's aggregate classification.

Labcorp Genetics (formerly Invitae), Labcorp
Classification: Likely benign for Hereditary thrombocytopenia and hematological cancer predisposition syndrome associated with RUNX1. Last evaluated: 2023-09-05. Review status: criteria provided, single submitter. Criteria: Invitae Variant Classification Sherloc (09022015). Collection method: clinical testing. Allele origin: germline. Not counted in ClinVar's aggregate classification.

NM_001754.5(RUNX1):c.1215G>C (p.Leu405=)

Gene: RUNX1 (RUNX family transcription factor 1; minus strand). Cytogenetic location: 21q22.12.
Variant type: single nucleotide variant.
Coding change: c.1215G>C on transcript NM_001754.5 (MANE Select); coding-DNA position 1215, G replaced by C.
Protein change: p.Leu405=; no amino-acid change (leucine 405 retained).
Molecular consequence: synonymous variant.
Genome position (GRCh38, 1-based): chr21:34,792,363, C>G on the plus strand (G>C on the coding strand, the complement: RUNX1 is on the minus strand). VCF-style: chr21-34792363-C-G. GRCh37 (hg19) VCF-style: chr21-36164660-C-G.
Other names: NM_001754.5(RUNX1):c.1215G>C; p.Leu405=; c.1134G>C, p.Leu378= (NM_001001890.3); c.1215G>C (NM_001754.4).
Identifiers: ClinVar variation 1571893 (VCV001571893.10), dbSNP rs1488763689, ClinGen allele CA512341220.